The following is an entry in ClinVar:

NM_001378457.1(DMXL2):c.452A>G (p.Asn151Ser)

Gene: DMXL2 (Dmx like 2; minus strand). Cytogenetic location: 15q21.2.
Variant type: single nucleotide variant.
Coding change: c.452A>G on transcript NM_001378457.1 (MANE Select); coding-DNA position 452, A replaced by G.
Protein change: p.Asn151Ser; replaces asparagine 151 with serine.
Molecular consequence: missense variant. On other transcripts: non-coding transcript variant (2).
Genome position (GRCh38, 1-based): chr15:51,564,173, T>C on the plus strand (A>G on the coding strand, the complement: DMXL2 is on the minus strand). VCF-style: chr15-51564173-T-C. GRCh37 (hg19) VCF-style: chr15-51856370-T-C.
Other names: c.452A>G, p.Asn151Ser (NM_001174116.3, NM_001174117.3, NM_001378458.1 and 7 more transcripts); short protein forms N151S.
Identifiers: ClinVar variation 1898141 (VCV001898141.3), dbSNP rs767359773, ClinGen allele CA7562829.

ClinVar aggregate classification (germline): Uncertain significance (1 of 4 stars; one submission).

Allele frequency attached by ClinVar (database versions not stated): ExAC 0.00001; gnomAD 0.00001; TOPMed 0.00002; gnomAD exomes 0.00006.
gnomAD v4.1: 79 of 1,607,058 alleles (0.0049%); highest among the groups gnomAD compares: Non-Finnish European, 0.0065%; no homozygotes.

Submission:

Labcorp Genetics (formerly Invitae), Labcorp
Classification: Uncertain significance. Last evaluated: 2025-02-24. Review status: criteria provided, single submitter. Criteria: Invitae Variant Classification Sherloc (09022015). Collection method: clinical testing. Allele origin: germline.
Comment: This sequence change replaces asparagine, which is neutral and polar, with serine, which is neutral and polar, at codon 151 of the DMXL2 protein (p.Asn151Ser). This variant is present in population databases (rs767359773, gnomAD 0.003%). This variant has not been reported in the literature in individuals affected with DMXL2-related conditions. ClinVar contains an entry for this variant (Variation ID: 1898141). An algorithm developed to predict the effect of missense changes on protein structure and function outputs the following: PolyPhen-2: "Benign". The serine amino acid residue is found in multiple mammalian species, which suggests that this missense change does not adversely affect protein function. In summary, the available evidence is currently insufficient to determine the role of this variant in disease. Therefore, it has been classified as a Variant of Uncertain Significance.